The following is an entry in ClinVar:

ClinVar aggregate classification (germline): Uncertain significance. Review status: criteria provided, multiple submitters, no conflicts (2 of 4 stars). 4 submissions from 4 submitters: Uncertain significance (4). Last evaluated 2025-05-27.

Conditions:
RECQL4-related disorder. Also called: RECQL4-related disorders; RECQL4-related condition.
Inborn genetic diseases. Identifiers: MedGen C0950123, MeSH D030342.
Baller-Gerold syndrome (BGS). Also called: CRANIOSYNOSTOSIS WITH RADIAL DEFECTS. Identifiers: Orphanet 1225, MedGen C0265308, MONDO:0009039, OMIM 218600.

Allele frequency attached by ClinVar (database versions not stated): gnomAD exomes below 0.00001 and 0.00001; gnomAD 0.00003 and 0.00004; TOPMed 0.00012.
gnomAD v4.1: 9 of 1,597,490 alleles (0.00056%); highest among the groups gnomAD compares: Admixed American, 0.01%; no homozygotes.

Submissions (4):

Labcorp Genetics (formerly Invitae), Labcorp
Classification: Uncertain significance for Baller-Gerold syndrome. Last evaluated: 2025-05-27. Review status: criteria provided, single submitter. Criteria: Invitae Variant Classification Sherloc (09022015). Collection method: clinical testing. Allele origin: germline.
Comment: This sequence change replaces lysine, which is basic and polar, with glutamine, which is neutral and polar, at codon 49 of the RECQL4 protein (p.Lys49Gln). This variant is present in population databases (no rsID available, gnomAD 0.003%). This variant has not been reported in the literature in individuals affected with RECQL4-related conditions. ClinVar contains an entry for this variant (Variation ID: 406941). Experimental studies and prediction algorithms are not available or were not evaluated, and the functional significance of this variant is currently unknown. In summary, the available evidence is currently insufficient to determine the role of this variant in disease. Therefore, it has been classified as a Variant of Uncertain Significance.

PreventionGenetics, part of Exact Sciences
Classification: Uncertain significance for RECQL4-related condition. Last evaluated: 2025-04-12. Review status: criteria provided, single submitter. Criteria: ACMG Guidelines, 2015. Collection method: clinical testing. Allele origin: germline.
Comment: The RECQL4 c.145A>C variant is predicted to result in the amino acid substitution p.Lys49Gln. To our knowledge, this variant has not been reported in the literature. This variant is reported in 0.0030% of alleles in individuals of Latino descent in gnomAD and is interpreted as uncertain in ClinVar. At this time, the clinical significance of this variant is uncertain due to the absence of conclusive functional and genetic evidence.

Ambry Genetics
Classification: Uncertain significance for Inborn genetic diseases. Last evaluated: 2024-12-08. Review status: criteria provided, single submitter. Criteria: Ambry Variant Classification Scheme 2023. Collection method: clinical testing. Allele origin: germline.
Comment: The p.K49Q variant (also known as c.145A>C), located in coding exon 3 of the RECQL4 gene, results from an A to C substitution at nucleotide position 145. The lysine at codon 49 is replaced by glutamine, an amino acid with similar properties. This amino acid position is conserved. In addition, this alteration is predicted to be tolerated by in silico analysis. Based on the available evidence, the clinical significance of this variant remains unclear.

GeneDx
Classification: Uncertain significance. Last evaluated: 2021-05-18. Review status: criteria provided, single submitter. Criteria: GeneDx Variant Classification Process June 2021. Collection method: clinical testing. Allele origin: germline. Affected: yes.
Comment: Not observed at a significant frequency in large population cohorts (Lek et al., 2016); In silico analysis supports that this missense variant does not alter protein structure/function; Has not been previously published as pathogenic or benign to our knowledge

NM_004260.4(RECQL4):c.145A>C (p.Lys49Gln)

Genes: RECQL4 (RecQ like helicase 4; minus strand), LOC130001411 (ATAC-STARR-seq lymphoblastoid silent region 19699; plus strand). Cytogenetic location: 8q24.3.
Variant type: single nucleotide variant.
Coding change: c.145A>C on transcript NM_004260.4 (MANE Select); coding-DNA position 145, A replaced by C.
Protein change: p.Lys49Gln; replaces lysine 49 with glutamine.
Molecular consequence: missense variant.
Genome position (GRCh38, 1-based): chr8:144,517,482, T>G on the plus strand (A>C on the coding strand, the complement: RECQL4 is on the minus strand). VCF-style: chr8-144517482-T-G. GRCh37 (hg19) VCF-style: chr8-145742866-T-G.
Other names: short protein forms K49Q.
Identifiers: ClinVar variation 406941 (VCV000406941.14), dbSNP rs1046890336, ClinGen allele CA16612291.